The following is an entry in ClinVar:

ClinVar aggregate classification (germline): Uncertain significance. Review status: criteria provided, multiple submitters, no conflicts (2 of 4 stars). 2 submissions from 2 submitters: Uncertain significance (2). Last evaluated 2025-06-30.

Conditions:
Juvenile polyposis syndrome (JPS). Identifiers: Orphanet 2929, MedGen C0345893, MONDO:0017380, OMIM 174900.
Hereditary cancer-predisposing syndrome. Also called: Hereditary neoplastic syndrome; Tumor predisposition; Neoplastic Syndromes, Hereditary; Hereditary Cancer Syndrome. Identifiers: Orphanet 140162, MedGen C0027672, MeSH D009386, MONDO:0015356.

Submissions (2):

Color Diagnostics, LLC DBA Color Health
Classification: Uncertain significance for Hereditary cancer-predisposing syndrome. Last evaluated: 2025-06-30. Review status: criteria provided, single submitter. Criteria: ACMG Guidelines, 2015. Collection method: clinical testing. Allele origin: germline.
Comment: This missense variant replaces isoleucine with methionine at codon 347 of the SMAD4 protein. Computational prediction is inconclusive regarding the impact of this variant on protein structure and function. To our knowledge, functional studies have not been reported for this variant. This variant has not been reported in individuals affected with SMAD4-related disorders in the literature. This variant has not been identified in the general population by the Genome Aggregation Database (gnomAD). The available evidence is insufficient to determine the role of this variant in disease conclusively. Therefore, this variant is classified as a Variant of Uncertain Significance.

Labcorp Genetics (formerly Invitae), Labcorp
Classification: Uncertain significance for Juvenile polyposis syndrome. Last evaluated: 2019-09-22. Review status: criteria provided, single submitter. Criteria: Invitae Variant Classification Sherloc (09022015). Collection method: clinical testing. Allele origin: germline.
Comment: In summary, the available evidence is currently insufficient to determine the role of this variant in disease. Therefore, it has been classified as a Variant of Uncertain Significance. Algorithms developed to predict the effect of missense changes on protein structure and function (SIFT, PolyPhen-2, Align-GVGD) all suggest that this variant is likely to be tolerated, but these predictions have not been confirmed by published functional studies and their clinical significance is uncertain. This variant has not been reported in the literature in individuals with SMAD4-related conditions. This variant is not present in population databases (ExAC no frequency). This sequence change replaces isoleucine with methionine at codon 347 of the SMAD4 protein (p.Ile347Met). The isoleucine residue is moderately conserved and there is a small physicochemical difference between isoleucine and methionine.

NM_005359.6(SMAD4):c.1041T>G (p.Ile347Met)

Gene: SMAD4 (SMAD family member 4; plus strand). Cytogenetic location: 18q21.2.
Variant type: single nucleotide variant.
Coding change: c.1041T>G on transcript NM_005359.6 (MANE Select); coding-DNA position 1041, T replaced by G.
Protein change: p.Ile347Met; replaces isoleucine 347 with methionine.
Molecular consequence: missense variant.
Genome position (GRCh38, 1-based): chr18:51,065,508, T>G. VCF-style: chr18-51065508-T-G. GRCh37 (hg19) VCF-style: chr18-48591878-T-G.
Other names: short protein forms I347M.
Identifiers: ClinVar variation 954405 (VCV000954405.9), dbSNP rs905881679, ClinGen allele CA402464267.